The following is an entry in ClinVar:

ClinVar aggregate classification (germline): Uncertain significance. Review status: criteria provided, multiple submitters, no conflicts (2 of 4 stars). 4 submissions from 4 submitters: Uncertain significance (4). Last evaluated 2026-07-30.

Conditions:
Lymphangiomyomatosis (LAM). Also called: Lymphangioleiomyomatosis, somatic; Lymphangioleiomyomatosis. Identifiers: Orphanet 538, MedGen C0751674, MONDO:0011705, OMIM 606690.
Isolated focal cortical dysplasia type II (FCORD2). Also called: CORTICAL DYSPLASIA OF TAYLOR; Focal cortical dysplasia type II. Identifiers: Orphanet 268994, MedGen C1846385, MONDO:0011818, OMIM 607341, HP:0032051.
Tuberous sclerosis 2 (TSC2). Identifiers: Orphanet 805, MedGen C1860707, MONDO:0013199, OMIM 613254.
Hereditary cancer-predisposing syndrome. Also called: Tumor predisposition; Hereditary Cancer Syndrome; Neoplastic Syndromes, Hereditary; Hereditary neoplastic syndrome. Identifiers: Orphanet 140162, MedGen C0027672, MeSH D009386, MONDO:0015356.
Tuberous sclerosis syndrome (TSC). Also called: Tuberous Sclerosis Complex; Tuberous sclerosis. Identifiers: Orphanet 805, MedGen C0041341, MONDO:0001734.

gnomAD v4.1: 6 of 1,613,494 alleles (0.00037%); highest among the groups gnomAD compares: Non-Finnish European, 0.00051%; no homozygotes.

Submissions (4):

Ambry Genetics
Classification: Uncertain significance for Hereditary cancer-predisposing syndrome. Last evaluated: 2026-07-30. Review status: criteria provided, single submitter. Criteria: Ambry Variant Classification Scheme 2023. Collection method: clinical testing. Allele origin: germline.
Comment: The p.V638L variant (also known as c.1912G>T), located in coding exon 17 of the TSC2 gene, results from a G to T substitution at nucleotide position 1912. The valine at codon 638 is replaced by leucine, an amino acid with highly similar properties. This amino acid position is not well conserved in available vertebrate species. In addition, the in silico prediction for this alteration is inconclusive. Based on the available evidence, the clinical significance of this variant remains unclear.

Fulgent Genetics
Classification: Uncertain significance for Lymphangiomyomatosis; Isolated focal cortical dysplasia type II; Tuberous sclerosis 2. Last evaluated: 2022-02-18. Review status: criteria provided, single submitter. Criteria: ACMG Guidelines, 2015. Collection method: clinical testing. Allele origin: unknown.

Genome-Nilou Lab
Classification: Uncertain significance for Tuberous sclerosis 2. Last evaluated: 2021-11-07. Review status: criteria provided, single submitter. Criteria: ACMG Guidelines, 2015. Collection method: clinical testing. Allele origin: germline. Affected: no.

Illumina Laboratory Services, Illumina
Classification: Uncertain significance for Tuberous sclerosis syndrome. Last evaluated: 2018-02-15. Review status: criteria provided, single submitter. Criteria: ICSL Variant Classification Criteria 13 December 2019. Collection method: clinical testing. Allele origin: germline.
Comment: This variant was observed as part of a predisposition screen in an ostensibly healthy population. A literature search was performed for the gene, cDNA change, and amino acid change (where applicable). Publications were found based on this search. However, the evidence from the literature, in combination with allele frequency data from public databases where available, was not sufficient to rule this variant in or out of causing disease. Therefore, this variant is classified as a variant of unknown significance.

Literature cited by the submitters: PubMed 22558107 (cited by Illumina Laboratory Services, Illumina).

NM_000548.5(TSC2):c.1912G>T (p.Val638Leu)

Gene: TSC2 (TSC complex subunit 2; plus strand). Cytogenetic location: 16p13.3.
Variant type: single nucleotide variant.
Coding change: c.1912G>T on transcript NM_000548.5 (MANE Select); coding-DNA position 1912, G replaced by T.
Protein change: p.Val638Leu; replaces valine 638 with leucine.
Molecular consequence: missense variant.
Genome position (GRCh38, 1-based): chr16:2,071,582, G>T. VCF-style: chr16-2071582-G-T. GRCh37 (hg19) VCF-style: chr16-2121583-G-T.
Other names: c.1912G>T, p.Val638Leu (NM_001077183.3, NM_001114382.3, NM_001363528.2 and 3 more transcripts); c.1801G>T, p.Val601Leu (NM_001318827.2); c.1765G>T, p.Val589Leu (NM_001318829.2); c.1312G>T, p.Val438Leu (NM_001318831.2); c.1945G>T, p.Val649Leu (NM_001318832.2); short protein forms V589L, V601L, V638L, V649L, V438L.
Identifiers: ClinVar variation 807947 (VCV000807947.19), dbSNP rs587778730, ClinGen allele CA394273212.